The following is an entry in ClinVar:

ClinVar aggregate classification (germline): Uncertain significance (1 of 4 stars; one submission).

Allele frequency attached by ClinVar (database versions not stated): gnomAD exomes below 0.00001.
gnomAD v4.1: 2 of 1,613,564 alleles (0.00012%); highest among the groups gnomAD compares: Non-Finnish European, 0.00017%; no homozygotes.

Submission:

Ambry Genetics
Classification: Uncertain significance. Last evaluated: 2022-12-21. Review status: criteria provided, single submitter. Criteria: Ambry Variant Classification Scheme 2023. Collection method: clinical testing. Allele origin: germline.
Comment: The c.341T>G (p.I114S) alteration is located in exon (coding exon ) of the MPPED1 gene. This alteration results from a T to G substitution at nucleotide position 341, causing the isoleucine (I) at amino acid position 114 to be replaced by a serine (S). Based on insufficient or conflicting evidence, the clinical significance of this alteration remains unclear.

NM_001044370.2(MPPED1):c.341T>G (p.Ile114Ser)

Gene: MPPED1 (metallophosphoesterase domain containing 1; plus strand). Cytogenetic location: 22q13.2.
Variant type: single nucleotide variant.
Coding change: c.341T>G on transcript NM_001044370.2 (MANE Select); coding-DNA position 341, T replaced by G.
Protein change: p.Ile114Ser; replaces isoleucine 114 with serine.
Molecular consequence: missense variant.
Genome position (GRCh38, 1-based): chr22:43,435,150, T>G. VCF-style: chr22-43435150-T-G. GRCh37 (hg19) VCF-style: chr22-43831070-T-G.
Other names: c.341T>G, p.Ile114Ser (NM_001362786.2, NM_001585.2); short protein forms I114S.
Identifiers: ClinVar variation 2339101 (VCV002339101.2), dbSNP rs2518407441, ClinGen allele CA411831011.